The following is an entry in ClinVar:

ClinVar aggregate classification (germline): Uncertain significance (1 of 4 stars; one submission).

Conditions:
Cryopyrin associated periodic syndrome (CAPS). Identifiers: Orphanet 208650, MedGen C2316212, MONDO:0016168.

Submission:

Labcorp Genetics (formerly Invitae), Labcorp
Classification: Uncertain significance for Cryopyrin associated periodic syndrome. Last evaluated: 2021-12-09. Review status: criteria provided, single submitter. Criteria: Invitae Variant Classification Sherloc (09022015). Collection method: clinical testing. Allele origin: germline.
Comment: In summary, the available evidence is currently insufficient to determine the role of this variant in disease. Therefore, it has been classified as a Variant of Uncertain Significance. Algorithms developed to predict the effect of missense changes on protein structure and function (SIFT, PolyPhen-2, Align-GVGD) all suggest that this variant is likely to be tolerated. This variant has not been reported in the literature in individuals affected with NLRP3-related conditions. This variant is not present in population databases (gnomAD no frequency). This sequence change replaces valine, which is neutral and non-polar, with alanine, which is neutral and non-polar, at codon 892 of the NLRP3 protein (p.Val892Ala).

NM_001243133.2(NLRP3):c.2669T>C (p.Val890Ala)

Gene: NLRP3 (NLR family pyrin domain containing 3; plus strand). Cytogenetic location: 1q44.
Variant type: single nucleotide variant.
Coding change: c.2669T>C on transcript NM_001243133.2 (MANE Select); coding-DNA position 2669, T replaced by C.
Protein change: p.Val890Ala; replaces valine 890 with alanine.
Molecular consequence: missense variant.
Genome position (GRCh38, 1-based): chr1:247,443,977, T>C. VCF-style: chr1-247443977-T-C. GRCh37 (hg19) VCF-style: chr1-247607279-T-C.
Other names: c.2669T>C, p.Val890Ala (NM_001079821.3); c.2498T>C, p.Val833Ala (NM_001127461.3, NM_001127462.3); c.2675T>C, p.Val892Ala (NM_004895.5); c.2327T>C, p.Val776Ala (NM_183395.3); short protein forms V776A, V833A, V890A, V892A.
Identifiers: ClinVar variation 2115445 (VCV002115445.4), dbSNP rs2527467155, ClinGen allele CA345564730.